The following is an entry in ClinVar:

NM_006904.7(PRKDC):c.6059A>G (p.Asp2020Gly)

Gene: PRKDC (protein kinase, DNA-activated, catalytic subunit; minus strand). Cytogenetic location: 8q11.21.
Variant type: single nucleotide variant.
Coding change: c.6059A>G on transcript NM_006904.7 (MANE Select); coding-DNA position 6059, A replaced by G.
Protein change: p.Asp2020Gly; replaces aspartic acid 2020 with glycine.
Molecular consequence: missense variant.
Genome position (GRCh38, 1-based): chr8:47,859,759, T>C on the plus strand (A>G on the coding strand, the complement: PRKDC is on the minus strand). VCF-style: chr8-47859759-T-C. GRCh37 (hg19) VCF-style: chr8-48772320-T-C.
Other names: c.6059A>G, p.Asp2020Gly (NM_001081640.2); short protein forms D2020G.
Identifiers: ClinVar variation 1982148 (VCV001982148.4), dbSNP rs2088632070, ClinGen allele CA371161437.
Genomic context (GRCh38, chr8:47,859,759, plus strand): 5'-ATTTCCTCACTCAGGGTACTGTCTGCCAAATATGACAGGGAAGACATATAGGAAGGACCA[T>C]CTGAAATATAAAAAAGGAGAAAATTACATGTATTCAAACATAATTAGTAAGAAATGTATT-3'
Protein context (NP_008835.5, residues 2010-2030): EAREAANGDS[Asp2020Gly]GPSYMSSLSY

ClinVar aggregate classification (germline): Uncertain significance (1 of 4 stars; one submission).

Conditions:
Severe combined immunodeficiency due to DNA-PKcs deficiency. Also called: IMMUNODEFICIENCY 26 WITH NEUROLOGIC ABNORMALITIES; Immunodeficiency 26 with or without neurologic abnormalities. Identifiers: Orphanet 317425, MedGen C4014833, MONDO:0014423, OMIM 615966.

Allele frequency attached by ClinVar (database versions not stated): TOPMed 0.00001.
gnomAD v4.1: 1 of 1,608,186 alleles (0.000062%); no homozygotes.

Submission:

Labcorp Genetics (formerly Invitae), Labcorp
Classification: Uncertain significance for Severe combined immunodeficiency due to DNA-PKcs deficiency. Last evaluated: 2022-04-06. Review status: criteria provided, single submitter. Criteria: Invitae Variant Classification Sherloc (09022015). Collection method: clinical testing. Allele origin: germline.
Comment: In summary, the available evidence is currently insufficient to determine the role of this variant in disease. Therefore, it has been classified as a Variant of Uncertain Significance. Experimental studies and prediction algorithms are not available or were not evaluated, and the functional significance of this variant is currently unknown. This variant has not been reported in the literature in individuals affected with PRKDC-related conditions. This variant is not present in population databases (gnomAD no frequency). This sequence change replaces aspartic acid, which is acidic and polar, with glycine, which is neutral and non-polar, at codon 2020 of the PRKDC protein (p.Asp2020Gly).